The following is an entry in ClinVar:

NM_001854.4(COL11A1):c.1252G>T (p.Gly418Cys)

Gene: COL11A1 (collagen type XI alpha 1 chain; minus strand). Cytogenetic location: 1p21.1.
Variant type: single nucleotide variant.
Coding change: c.1252G>T on transcript NM_001854.4 (MANE Select); coding-DNA position 1252, G replaced by T.
Protein change: p.Gly418Cys; replaces glycine 418 with cysteine.
Molecular consequence: missense variant. On other transcripts: non-coding transcript variant (1).
Genome position (GRCh38, 1-based): chr1:103,021,763, C>A on the plus strand (G>T on the coding strand, the complement: COL11A1 is on the minus strand). VCF-style: chr1-103021763-C-A. GRCh37 (hg19) VCF-style: chr1-103487319-C-A.
Other names: c.1135G>T, p.Gly379Cys (NM_001190709.2); c.1288G>T, p.Gly430Cys (NM_080629.3); c.904G>T, p.Gly302Cys (NM_080630.4); short protein forms G302C, G379C, G418C, G430C.
Identifiers: ClinVar variation 3340922 (VCV003340922.1).

ClinVar aggregate classification (germline): Uncertain significance (1 of 4 stars; one submission).

Submission:

GeneDx
Classification: Uncertain significance. Last evaluated: 2023-09-05. Review status: criteria provided, single submitter. Criteria: GeneDx Variant Classification Process June 2021. Collection method: clinical testing. Allele origin: germline. Affected: yes.
Comment: Not observed at significant frequency in large population cohorts (gnomAD); In silico analysis supports that this missense variant has a deleterious effect on protein structure/function; Has not been previously published as pathogenic or benign to our knowledge; Not located in the triple helical region, where the majority of pathogenic missense variants occur (HGMD; Acke et al., 2014); This variant is associated with the following publications: (PMID: 25240749)